The following is an entry in ClinVar:

ClinVar aggregate classification (germline): Benign/Likely benign. Review status: criteria provided, multiple submitters, no conflicts (2 of 4 stars). 6 submissions from 6 submitters: Benign (5); Likely benign (1). Last evaluated 2026-02-04.

Conditions:
Fraser syndrome 2 (FRASRS2). Identifiers: MedGen C4540036, MONDO:0054738, OMIM 617666.

Allele frequency attached by ClinVar (database versions not stated): 1000 Genomes Project 0.10962; 1000 Genomes Project 30x 0.11524; ESP Exome Variant Server 0.12010; TOPMed 0.13766.
gnomAD v4.1: 189,940 of 1,612,642 alleles (12%); highest among the groups gnomAD compares: Admixed American, 29%; 13,190 homozygotes.

Submissions (6):

Labcorp Genetics (formerly Invitae), Labcorp
Classification: Benign. Last evaluated: 2026-02-04. Review status: criteria provided, single submitter. Criteria: Invitae Variant Classification Sherloc (09022015). Collection method: clinical testing. Allele origin: germline.

Blueprint Genetics
Classification: Likely benign. Last evaluated: 2024-11-27. Review status: criteria provided, single submitter. Criteria: ACMG Guidelines, 2015. Collection method: clinical testing. Allele origin: germline.

Mayo Clinic Laboratories, Mayo Clinic
Classification: Benign. Last evaluated: 2022-03-09. Review status: criteria provided, single submitter. Criteria: ACMG Guidelines, 2015. Collection method: clinical testing. Allele origin: germline. Observed: 14 variant alleles.

GeneDx
Classification: Benign. Last evaluated: 2021-06-09. Review status: criteria provided, single submitter. Criteria: GeneDx Variant Classification Process June 2021. Collection method: clinical testing. Allele origin: germline. Affected: yes.

Illumina Laboratory Services, Illumina
Classification: Benign for Fraser syndrome 2. Last evaluated: 2018-01-13. Review status: criteria provided, single submitter. Criteria: ICSL Variant Classification Criteria 13 December 2019. Collection method: clinical testing. Allele origin: germline.
Comment: This variant was observed in the ICSL laboratory as part of a predisposition screen in an ostensibly healthy population. It had not been previously curated by ICSL or reported in the Human Gene Mutation Database (HGMD: prior to June 1st, 2018), and was therefore a candidate for classification through an automated scoring system. Utilizing variant allele frequency, disease prevalence and penetrance estimates, and inheritance mode, an automated score was calculated to assess if this variant is too frequent to cause the disease. Based on the score and internal cut-off values, a variant classified as benign is not then subjected to further curation. The score for this variant resulted in a classification of benign for this disease.

Breakthrough Genomics
Classification: Benign. Review status: criteria provided, single submitter. Criteria: ACMG Guidelines, 2015. Collection method: not provided. Allele origin: germline. Inheritance: Autosomal recessive inheritance. Affected: yes.

NM_207361.6(FREM2):c.6196C>T (p.Arg2066Cys)

Gene: FREM2 (FRAS1 related extracellular matrix 2; plus strand). Cytogenetic location: 13q13.3.
Variant type: single nucleotide variant.
Coding change: c.6196C>T on transcript NM_207361.6 (MANE Select); coding-DNA position 6196, C replaced by T.
Protein change: p.Arg2066Cys; replaces arginine 2066 with cysteine.
Molecular consequence: missense variant.
Genome position (GRCh38, 1-based): chr13:38,848,487, C>T. VCF-style: chr13-38848487-C-T. GRCh37 (hg19) VCF-style: chr13-39422624-C-T.
Other names: p.Arg2066Cys; short protein forms R2066C.
Identifiers: ClinVar variation 312003 (VCV000312003.17), dbSNP rs9548505, ClinGen allele CA6955488.